The following is an entry in ClinVar:

ClinVar aggregate classification (germline): Uncertain significance (1 of 4 stars; one submission).

Conditions:
Hereditary cancer-predisposing syndrome. Also called: Neoplastic Syndromes, Hereditary; Tumor predisposition; Hereditary Cancer Syndrome; Hereditary neoplastic syndrome. Identifiers: Orphanet 140162, MedGen C0027672, MeSH D009386, MONDO:0015356.

Submission:

Ambry Genetics
Classification: Uncertain significance for Hereditary cancer-predisposing syndrome. Last evaluated: 2016-01-29. Review status: criteria provided, single submitter. Criteria: Ambry Variant Classification Scheme 2023. Collection method: clinical testing. Allele origin: germline.
Comment: The p.D539E variant (also known as c.1617C>A), located in coding exon 12 of the APC gene, results from a C to A substitution at nucleotide position 1617. The aspartic acid at codon 539 is replaced by glutamic acid, an amino acid with highly similar properties. This variant was not reported in population based cohorts in the following databases: Database of Single Nucleotide Polymorphisms (dbSNP), NHLBI Exome Sequencing Project (ESP), and 1000 Genomes Project. In the ESP, this variant was not observed in 6502 samples (13004 alleles) with coverage at this position. To date, this alteration has been detected with an allele frequency of approximately 0.001% (greater than 70000 alleles tested) in our clinical cohort. This amino acid position is highly conserved in available vertebrate species. In addition, in silico predictors for this gene do not accurately predict pathogenicity. Since supporting evidence is limited at this time, the clinical significance of this alteration remains unclear.

NM_000038.6(APC):c.1617C>A (p.Asp539Glu)

Gene: APC (APC regulator of Wnt signaling pathway; plus strand). Cytogenetic location: 5q22.2.
Variant type: single nucleotide variant.
Coding change: c.1617C>A on transcript NM_000038.6 (MANE Select); coding-DNA position 1617, C replaced by A.
Protein change: p.Asp539Glu; replaces aspartic acid 539 with glutamic acid.
Molecular consequence: missense variant.
Genome position (GRCh38, 1-based): chr5:112,827,997, C>A. VCF-style: chr5-112827997-C-A. GRCh37 (hg19) VCF-style: chr5-112163694-C-A.
Other names: c.1617C>A, p.Asp539Glu (NM_001127510.3, NM_001354895.2); c.1563C>A, p.Asp521Glu (NM_001127511.3); c.1671C>A, p.Asp557Glu (NM_001354896.2); c.1647C>A, p.Asp549Glu (NM_001354897.2); c.1542C>A, p.Asp514Glu (NM_001354898.2); c.1533C>A, p.Asp511Glu (NM_001354899.2); c.1494C>A, p.Asp498Glu (NM_001354900.2); c.1440C>A, p.Asp480Glu (NM_001354901.2); and 5 more; short protein forms D539E, D521E, D549E, D379E, D514E, D557E, D256E, D413E.
Identifiers: ClinVar variation 482298 (VCV000482298.5), dbSNP rs1554081912, ClinGen allele CA16024838.